The following is an entry in ClinVar:

ClinVar aggregate classification (germline): Likely pathogenic (1 of 4 stars; one submission).

Conditions:
Breast-ovarian cancer, familial, susceptibility to, 2 (BROVCA2). Also called: BRCA2 Hereditary Breast and Ovarian Cancer. Identifiers: Orphanet 145, MedGen C2675520, MONDO:0012933, OMIM 612555. Disease mechanism: loss of function.

Submission:

Myriad Genetics, Inc.
Classification: Likely pathogenic for Breast-ovarian cancer, familial, susceptibility to, 2. Last evaluated: 2023-05-02. Review status: criteria provided, single submitter. Criteria: Myriad Autosomal Dominant, Autosomal Recessive and X-Linked Classification Criteria (2023). Collection method: clinical testing. Allele origin: unknown.
Comment: This variant is considered likely pathogenic. mRNA analysis has demonstrated abnormal mRNA splicing occurs [PMID: 18424508, 21769658]. This variant is strongly associated with more severe personal and family histories of cancer, typical for individuals with pathogenic variants in this gene [PMID: 25085752, Myriad internal data].

Literature cited by the submitters: PubMed 18424508; PubMed 21769658; PubMed 25085752.

NM_000059.4(BRCA2):c.316+5_316+8del

Gene: BRCA2 (BRCA2 DNA repair associated; plus strand). Cytogenetic location: 13q13.1.
Variant type: Microsatellite.
Coding change: c.316+5_316+8del on transcript NM_000059.4 (MANE Select); bases 5 to 8 of the intron after coding-DNA position 316, 4 bases deleted (GTAA; older notation c.316+5_316+8delGTAA).
Molecular consequence: splice donor variant.
Genome position (GRCh38, 1-based): chr13:32,319,330-32,319,333, GTAA deleted; deleting any 4 consecutive bases within chr13:32,319,326-32,319,333 gives the same sequence; the c. name uses the placement nearest the transcript's 3' end. VCF-style (leftmost placement, unchanged base first): chr13-32319325-GGTAA-G. GRCh37 (hg19) VCF-style: chr13-32893462-GGTAA-G.
Other names: c.316+5_316+8del (NM_001406720.1, NM_001406719.1, NM_001406721.1); c.-54+5_-54+8del (NM_001406722.1).
Identifiers: ClinVar variation 2583810 (VCV002583810.2), dbSNP rs2548511604, ClinGen allele CA2582341825.
Genomic context (GRCh38, chr13:32,319,325, plus strand): 5'-CTGACTCTGCCGCTGTACCAATCTCCTGTAAAAGAATTAGATAAATTCAAATTAGACTTA[GGTAA>G]GTAATGCAATATGGTAGACTGGGGAGAACTACAAACTAGGAATTTAGGCAAACCTGTGTT-3'